The following is an entry in ClinVar:

NM_000535.7(PMS2):c.2086T>C (p.Phe696Leu)

Gene: PMS2 (PMS1 homolog 2, mismatch repair system component; minus strand). Cytogenetic location: 7p22.1.
Variant type: single nucleotide variant.
Coding change: c.2086T>C on transcript NM_000535.7 (MANE Select); coding-DNA position 2086, T replaced by C.
Protein change: p.Phe696Leu; replaces phenylalanine 696 with leucine.
Molecular consequence: missense variant. On other transcripts: non-coding transcript variant (1), intron variant (4).
Genome position (GRCh38, 1-based): chr7:5,982,912, A>G on the plus strand (T>C on the coding strand, the complement: PMS2 is on the minus strand). VCF-style: chr7-5982912-A-G. GRCh37 (hg19) VCF-style: chr7-6022543-A-G.
Other names: c.1573T>C, p.Phe525Leu (NM_001406904.1, NM_001406905.1); c.1525T>C, p.Phe509Leu (NM_001406906.1, NM_001406907.1, NM_001322010.2); c.1513T>C, p.Phe505Leu (NM_001406909.1, NM_001322013.2); c.1601+3847T>C (NM_001406910.1, NM_001406908.1); c.1315T>C, p.Phe439Leu (NM_001406911.1); c.883T>C, p.Phe295Leu (NM_001406912.1); c.1681T>C, p.Phe561Leu (NM_001018040.1, NM_001322003.2, NM_001322004.2 and 15 more transcripts); c.1930T>C, p.Phe644Leu (NM_001322006.2, NM_001406870.1); and 16 more; short protein forms F538L, F561L, F584L, F590L, F630L, F704L, F439L, F525L.
Identifiers: ClinVar variation 2451592 (VCV002451592.2), dbSNP rs2535541966, ClinGen allele CA366738029.

ClinVar aggregate classification (germline): Uncertain significance (1 of 4 stars; one submission).

Conditions:
Hereditary cancer-predisposing syndrome. Also called: Neoplastic Syndromes, Hereditary; Tumor predisposition; Hereditary neoplastic syndrome; Hereditary Cancer Syndrome. Identifiers: Orphanet 140162, MedGen C0027672, MeSH D009386, MONDO:0015356.

Submission:

Ambry Genetics
Classification: Uncertain significance for Hereditary cancer-predisposing syndrome. Last evaluated: 2022-12-03. Review status: criteria provided, single submitter. Criteria: Ambry Variant Classification Scheme 2023. Collection method: clinical testing. Allele origin: germline.
Comment: The p.F696L variant (also known as c.2086T>C), located in coding exon 12 of the PMS2 gene, results from a T to C substitution at nucleotide position 2086. The phenylalanine at codon 696 is replaced by leucine, an amino acid with highly similar properties. This amino acid position is conserved. In addition, this alteration is predicted to be deleterious by in silico analysis. Since supporting evidence is limited at this time, the clinical significance of this alteration remains unclear.